The following is an entry in ClinVar:

NM_014491.4(FOXP2):c.*3517T>C

Gene: FOXP2 (forkhead box P2; plus strand). Cytogenetic location: 7q31.1.
Variant type: single nucleotide variant.
Coding change: c.*3517T>C on transcript NM_014491.4 (MANE Select); 3517 bases downstream of the stop codon, T replaced by C.
Molecular consequence: 3 prime UTR variant. On other transcripts: non-coding transcript variant (2).
Genome position (GRCh38, 1-based): chr7:114,693,443, T>C. VCF-style: chr7-114693443-T-C. GRCh37 (hg19) VCF-style: chr7-114333498-T-C.
Other names: c.*3517T>C (NM_001172766.3, NM_148898.4, NM_148900.4).
Identifiers: ClinVar variation 358668 (VCV000358668.5), dbSNP rs79694890, ClinGen allele CA4446514.
Genomic context (GRCh38, chr7:114,693,443, plus strand): 5'-GATTCAGTCGCAAAATCCAATATGATATTTTGTAAAGTTTTCAAGTTGGACATTTACATT[T>C]TTGAGAATTTTGAGACTTCATCTTACACATGCCAGTATTAACACACATTTGGACAATAGC-3'

ClinVar aggregate classification (germline): Benign (1 of 4 stars; one submission).

Conditions:
Childhood apraxia of speech (SPCH1). Also called: DEVELOPMENTAL VERBAL DYSPRAXIA; Speech language disorder; FOXP2-Related Speech and Language Disorder; SPEECH AND LANGUAGE DISORDER WITH OROFACIAL DYSPRAXIA. Identifiers: Orphanet 209908, MedGen C0750927, MONDO:0011184, OMIM 602081.

Allele frequency attached by ClinVar (database versions not stated): ExAC 0.00010; 1000 Genomes Project 0.00100; gnomAD 0.00120 and 0.00123; gnomAD exomes 0.00120; TOPMed 0.00124; 1000 Genomes Project 30x 0.00141.
gnomAD v4.1: 574 of 453,362 alleles (0.13%); highest among the groups gnomAD compares: Non-Finnish European, 0.23%; 1 homozygote.

Submission:

Illumina Laboratory Services, Illumina
Classification: Benign for Childhood apraxia of speech. Last evaluated: 2018-01-13. Review status: criteria provided, single submitter. Criteria: ICSL Variant Classification Criteria 13 December 2019. Collection method: clinical testing. Allele origin: germline.
Comment: This variant was observed in the ICSL laboratory as part of a predisposition screen in an ostensibly healthy population. It had not been previously curated by ICSL or reported in the Human Gene Mutation Database (HGMD: prior to June 1st, 2018), and was therefore a candidate for classification through an automated scoring system. Utilizing variant allele frequency, disease prevalence and penetrance estimates, and inheritance mode, an automated score was calculated to assess if this variant is too frequent to cause the disease. Based on the score and internal cut-off values, a variant classified as benign is not then subjected to further curation. The score for this variant resulted in a classification of benign for this disease.